The following is an entry in ClinVar:

NM_030665.4(RAI1):c.505C>T (p.His169Tyr)

Gene: RAI1 (retinoic acid induced 1; plus strand). Cytogenetic location: 17p11.2.
Variant type: single nucleotide variant.
Coding change: c.505C>T on transcript NM_030665.4 (MANE Select); coding-DNA position 505, C replaced by T.
Protein change: p.His169Tyr; replaces histidine 169 with tyrosine.
Molecular consequence: missense variant.
Genome position (GRCh38, 1-based): chr17:17,793,453, C>T. VCF-style: chr17-17793453-C-T. GRCh37 (hg19) VCF-style: chr17-17696767-C-T.
Other names: short protein forms H169Y.
Identifiers: ClinVar variation 4977821 (VCV004977821.1).

ClinVar aggregate classification (germline): Uncertain significance (1 of 4 stars; one submission).

Conditions:
RAI1-related disorder. Also called: RAI1-related condition.

gnomAD v4.1: 7 of 1,613,218 alleles (0.00043%); highest among the groups gnomAD compares: African/African-American, 0.0093%; no homozygotes.

Submission:

PreventionGenetics, part of Exact Sciences
Classification: Uncertain significance for RAI1-related condition. Last evaluated: 2026-03-10. Review status: criteria provided, single submitter. Criteria: ACMG Guidelines, 2015. Collection method: clinical testing. Allele origin: germline.
Comment: The RAI1 c.505C>T variant is predicted to result in the amino acid substitution p.His169Tyr. To our knowledge, this variant has not been reported in the literature. This variant is reported in 0.023% of alleles in individuals of African descent in gnomAD, which may be too frequent to be a primary cause of disease. Although we suspect that this variant may be benign, at this time, the clinical significance of this variant is uncertain due to the absence of conclusive functional and genetic evidence.